The following is an entry in ClinVar:

NM_198578.4(LRRK2):c.6460T>A (p.Cys2154Ser)

Gene: LRRK2 (leucine rich repeat kinase 2; plus strand). Cytogenetic location: 12q12.
Variant type: single nucleotide variant.
Coding change: c.6460T>A on transcript NM_198578.4 (MANE Select); coding-DNA position 6460, T replaced by A.
Protein change: p.Cys2154Ser; replaces cysteine 2154 with serine.
Molecular consequence: missense variant.
Genome position (GRCh38, 1-based): chr12:40,351,617, T>A. VCF-style: chr12-40351617-T-A. GRCh37 (hg19) VCF-style: chr12-40745419-T-A.
Other names: short protein forms C2154S.
Identifiers: ClinVar variation 3540610 (VCV003540610.1).

ClinVar aggregate classification (germline): Uncertain significance (1 of 4 stars; one submission).

Conditions:
Inborn genetic diseases. Identifiers: MedGen C0950123, MeSH D030342.

gnomAD v4.1: 2 of 1,614,096 alleles (0.00012%); highest among the groups gnomAD compares: African/African-American, 0.0027%; no homozygotes.

Submission:

Ambry Genetics
Classification: Uncertain significance for Inborn genetic diseases. Last evaluated: 2024-08-05. Review status: criteria provided, single submitter. Criteria: Ambry Variant Classification Scheme 2023. Collection method: clinical testing. Allele origin: germline.
Comment: The p.C2154S variant (also known as c.6460T>A), located in coding exon 44 of the LRRK2 gene, results from a T to A substitution at nucleotide position 6460. The cysteine at codon 2154 is replaced by serine, an amino acid with dissimilar properties. This amino acid position is conserved. In addition, this alteration is predicted to be deleterious by in silico analysis. Based on the available evidence, the clinical significance of this variant remains unclear.